The following is an entry in ClinVar:

NM_012072.4(CD93):c.561G>A (p.Met187Ile)

Gene: CD93 (CD93 molecule; minus strand). Cytogenetic location: 20p11.21.
Variant type: single nucleotide variant.
Coding change: c.561G>A on transcript NM_012072.4 (MANE Select); coding-DNA position 561, G replaced by A.
Protein change: p.Met187Ile; replaces methionine 187 with isoleucine.
Molecular consequence: missense variant.
Genome position (GRCh38, 1-based): chr20:23,085,632, C>T on the plus strand (G>A on the coding strand, the complement: CD93 is on the minus strand). VCF-style: chr20-23085632-C-T. GRCh37 (hg19) VCF-style: chr20-23066269-C-T.
Other names: short protein forms M187I.
Identifiers: ClinVar variation 3346567 (VCV003346567.1).

ClinVar aggregate classification (germline): Uncertain significance (0 of 4 stars; one submission).

Conditions:
CD93-related disorder. Also called: CD93-related condition.

Submission:

PreventionGenetics, part of Exact Sciences
Classification: Uncertain significance for CD93-related condition. Last evaluated: 2024-04-26. Review status: no assertion criteria provided. Collection method: clinical testing. Allele origin: germline.
Comment: The CD93 c.561G>A variant is predicted to result in the amino acid substitution p.Met187Ile. To our knowledge, this variant has not been reported in the literature or in a large population database, indicating this variant is rare. At this time, the clinical significance of this variant is uncertain due to the absence of conclusive functional and genetic evidence.